The following is an entry in ClinVar:

NM_005359.6(SMAD4):c.166T>G (p.Ser56Ala)

Gene: SMAD4 (SMAD family member 4; plus strand). Cytogenetic location: 18q21.2.
Variant type: single nucleotide variant.
Coding change: c.166T>G on transcript NM_005359.6 (MANE Select); coding-DNA position 166, T replaced by G.
Protein change: p.Ser56Ala; replaces serine 56 with alanine.
Molecular consequence: missense variant. On other transcripts: non-coding transcript variant (2).
Genome position (GRCh38, 1-based): chr18:51,047,212, T>G. VCF-style: chr18-51047212-T-G. GRCh37 (hg19) VCF-style: chr18-48573582-T-G.
Other names: c.166T>G, p.Ser56Ala (NM_001407041.1, NM_001407042.1, NM_001407043.1); short protein forms S56A.
Identifiers: ClinVar variation 2865542 (VCV002865542.3), dbSNP rs2144401385, ClinGen allele CA402457930.

ClinVar aggregate classification (germline): Uncertain significance (1 of 4 stars; one submission).

Conditions:
Juvenile polyposis syndrome (JPS). Identifiers: Orphanet 2929, MedGen C0345893, MONDO:0017380, OMIM 174900.

Submission:

Labcorp Genetics (formerly Invitae), Labcorp
Classification: Uncertain significance for Juvenile polyposis syndrome. Last evaluated: 2023-05-19. Review status: criteria provided, single submitter. Criteria: Invitae Variant Classification Sherloc (09022015). Collection method: clinical testing. Allele origin: germline.
Comment: In summary, the available evidence is currently insufficient to determine the role of this variant in disease. Therefore, it has been classified as a Variant of Uncertain Significance. Advanced modeling of protein sequence and biophysical properties (such as structural, functional, and spatial information, amino acid conservation, physicochemical variation, residue mobility, and thermodynamic stability) has been performed at Invitae for this missense variant, however the output from this modeling did not meet the statistical confidence thresholds required to predict the impact of this variant on SMAD4 protein function. This variant has not been reported in the literature in individuals affected with SMAD4-related conditions. This variant is not present in population databases (gnomAD no frequency). This sequence change replaces serine, which is neutral and polar, with alanine, which is neutral and non-polar, at codon 56 of the SMAD4 protein (p.Ser56Ala).